The following is an entry in ClinVar:

ClinVar aggregate classification (germline): Likely pathogenic (1 of 4 stars; one submission).

Conditions:
Duane retraction syndrome 3 with or without deafness (DURS3). Also called: Duane syndrome type 3; DUANE RETRACTION SYNDROME 3. Identifiers: Orphanet 233, MedGen C4310752, MONDO:0014880, OMIM 617041.

Submission:

Variantyx, Inc.
Classification: Likely pathogenic for Duane retraction syndrome 3 with or without deafness. Last evaluated: 2025-11-19. Review status: criteria provided, single submitter. Criteria: Variantyx Assertion Criteria 2022. Collection method: clinical testing. Allele origin: germline. Inheritance: Autosomal dominant inheritance. Affected: yes.
Comment: This is a frameshift variant in the MAFB gene (OMIM: 608968). Pathogenic variants in this gene have been associated with autosomal dominant Duane retraction syndrome 3. The alteration introduces a premature termination codon in exon 1 out of 1 and is expected to result in loss of function, which is a known disease mechanism for MAFB in this disorder (PMID: 27181683) (PVS1). This variant is absent from control populations (PM2). Based on the current evidence, this variant is classified as likely pathogenic for autosomal dominant Duane retraction syndrome 3.

Literature cited by the submitters: PubMed 27181683.

NM_005461.5(MAFB):c.616del (p.Ser206fs)

Gene: MAFB (MAF bZIP transcription factor B; minus strand). Cytogenetic location: 20q12.
Variant type: Deletion.
Coding change: c.616del on transcript NM_005461.5 (MANE Select); coding-DNA position 616, one base deleted (A; older notation c.616delA).
Protein change: p.Ser206fs; shifts the reading frame from serine 206.
Molecular consequence: frameshift variant.
Genome position (GRCh38, 1-based): chr20:40,688,235, T deleted on the plus strand (A on the coding strand, the reverse complement: MAFB is on the minus strand). VCF-style (leftmost placement, unchanged base first): chr20-40688234-CT-C. GRCh37 (hg19) VCF-style: chr20-39316874-CT-C.
Other names: short protein forms S206fs.
Identifiers: ClinVar variation 4852226 (VCV004852226.1).